The following is an entry in ClinVar:

ClinVar aggregate classification (germline): Uncertain significance (1 of 4 stars; one submission).

Conditions:
Hereditary cancer-predisposing syndrome. Also called: Hereditary Cancer Syndrome; Hereditary neoplastic syndrome; Neoplastic Syndromes, Hereditary; Tumor predisposition. Identifiers: Orphanet 140162, MedGen C0027672, MeSH D009386, MONDO:0015356.

Submission:

Ambry Genetics
Classification: Uncertain significance for Hereditary cancer-predisposing syndrome. Last evaluated: 2021-12-11. Review status: criteria provided, single submitter. Criteria: Ambry Variant Classification Scheme 2023. Collection method: clinical testing. Allele origin: germline.
Comment: The p.E47D variant (also known as c.141A>C), located in coding exon 2 of the NTHL1 gene, results from an A to C substitution at nucleotide position 141. The glutamic acid at codon 47 is replaced by aspartic acid, an amino acid with highly similar properties. This amino acid position is conserved. In addition, this alteration is predicted to be tolerated by in silico analysis. Since supporting evidence is limited at this time, the clinical significance of this alteration remains unclear.

NM_002528.7(NTHL1):c.117A>C (p.Glu39Asp)

Gene: NTHL1 (nth like DNA glycosylase 1; minus strand). Cytogenetic location: 16p13.3.
Variant type: single nucleotide variant.
Coding change: c.117A>C on transcript NM_002528.7 (MANE Select); coding-DNA position 117, A replaced by C.
Protein change: p.Glu39Asp; replaces glutamic acid 39 with aspartic acid.
Molecular consequence: missense variant. On other transcripts: 5 prime UTR variant (1).
Genome position (GRCh38, 1-based): chr16:2,046,365, T>G on the plus strand (A>C on the coding strand, the complement: NTHL1 is on the minus strand). VCF-style: chr16-2046365-T-G. GRCh37 (hg19) VCF-style: chr16-2096366-T-G.
Other names: c.117A>C, p.Glu39Asp (NM_001318193.2); c.-62A>C (NM_001318194.2); short protein forms E39D.
Identifiers: ClinVar variation 1772207 (VCV001772207.2), dbSNP rs2548321780, ClinGen allele CA394298113.
Genomic context (GRCh38, chr16:2,046,365, plus strand): 5'-GGCCACACGCAGTCTCTGTGCTTTCCGCGGACGCTTCACGGGGCTGTGGCTTTTCCTCGC[T>G]TCTGCAAAAAGCACCACGCAGTCCCTCTGGTGGGGCCACAGGTGAAGGTAGGGTAGGGGT-3'
Protein context (NP_002519.2, residues 29-49): GPLRRREAAA[Glu39Asp]ARKSHSPVKR